The following is an entry in ClinVar:

NM_001983.4(ERCC1):c.385G>T (p.Asp129Tyr)

Gene: ERCC1 (ERCC excision repair 1, endonuclease non-catalytic subunit; minus strand). Cytogenetic location: 19q13.32.
Variant type: single nucleotide variant.
Coding change: c.385G>T on transcript NM_001983.4 (MANE Select); coding-DNA position 385, G replaced by T.
Protein change: p.Asp129Tyr; replaces aspartic acid 129 with tyrosine.
Molecular consequence: missense variant.
Genome position (GRCh38, 1-based): chr19:45,420,364, C>A on the plus strand (G>T on the coding strand, the complement: ERCC1 is on the minus strand). VCF-style: chr19-45420364-C-A. GRCh37 (hg19) VCF-style: chr19-45923622-C-A.
Other names: c.385G>T, p.Asp129Tyr (NM_001166049.2, NM_001369408.1, NM_001369409.1 and 11 more transcripts); short protein forms D129Y.
Identifiers: ClinVar variation 4704029 (VCV004704029.1).

ClinVar aggregate classification (germline): Uncertain significance (1 of 4 stars; one submission).

Submission:

Labcorp Genetics (formerly Invitae), Labcorp
Classification: Uncertain significance. Last evaluated: 2025-10-18. Review status: criteria provided, single submitter. Criteria: Invitae Variant Classification Sherloc (09022015). Collection method: clinical testing. Allele origin: germline.
Comment: This sequence change replaces aspartic acid, which is acidic and polar, with tyrosine, which is neutral and polar, at codon 129 of the ERCC1 protein (p.Asp129Tyr). This variant is not present in population databases (gnomAD no frequency). This variant has not been reported in the literature in individuals affected with ERCC1-related conditions. An algorithm developed to predict the effect of missense changes on protein structure and function (PolyPhen-2) suggests that this variant is likely to be disruptive. In summary, the available evidence is currently insufficient to determine the role of this variant in disease. Therefore, it has been classified as a Variant of Uncertain Significance.